The following is an entry in ClinVar:

ClinVar aggregate classification (germline): Uncertain significance. Review status: criteria provided, multiple submitters, no conflicts (2 of 4 stars). 3 submissions from 3 submitters: Uncertain significance (3). Last evaluated 2025-05-20.

Allele frequency attached by ClinVar (database versions not stated): gnomAD exomes 0.00003 and 0.00006; ExAC 0.00008; ESP Exome Variant Server 0.00008; gnomAD 0.00016 and 0.00017; TOPMed 0.00023.
gnomAD v4.1: 66 of 1,614,058 alleles (0.0041%); highest among the groups gnomAD compares: African/African-American, 0.055%; no homozygotes.

Submissions (3):

Ambry Genetics
Classification: Uncertain significance. Last evaluated: 2025-05-20. Review status: criteria provided, single submitter. Criteria: Ambry Variant Classification Scheme 2023. Collection method: clinical testing. Allele origin: germline.

Labcorp Genetics (formerly Invitae), Labcorp
Classification: Uncertain significance. Last evaluated: 2024-04-25. Review status: criteria provided, single submitter. Criteria: Invitae Variant Classification Sherloc (09022015). Collection method: clinical testing. Allele origin: germline.
Comment: This sequence change replaces arginine, which is basic and polar, with tryptophan, which is neutral and slightly polar, at codon 351 of the RNF31 protein (p.Arg351Trp). This variant is present in population databases (rs370499676, gnomAD 0.04%). This variant has not been reported in the literature in individuals affected with RNF31-related conditions. ClinVar contains an entry for this variant (Variation ID: 1420532). An algorithm developed to predict the effect of missense changes on protein structure and function (PolyPhen-2) suggests that this variant is likely to be disruptive. In summary, the available evidence is currently insufficient to determine the role of this variant in disease. Therefore, it has been classified as a Variant of Uncertain Significance.

Blueprint Genetics
Classification: Uncertain significance. Last evaluated: 2020-10-09. Review status: criteria provided, single submitter. Criteria: ACMG Guidelines, 2015. Collection method: clinical testing. Allele origin: germline.

NM_017999.5(RNF31):c.1051C>T (p.Arg351Trp)

Gene: RNF31 (ring finger protein 31; plus strand). Cytogenetic location: 14q12.
Variant type: single nucleotide variant.
Coding change: c.1051C>T on transcript NM_017999.5 (MANE Select); coding-DNA position 1051, C replaced by T.
Protein change: p.Arg351Trp; replaces arginine 351 with tryptophan.
Molecular consequence: missense variant.
Genome position (GRCh38, 1-based): chr14:24,150,302, C>T. VCF-style: chr14-24150302-C-T. GRCh37 (hg19) VCF-style: chr14-24619511-C-T.
Other names: c.598C>T, p.Arg200Trp (NM_001310332.2); c.1051C>T (NM_017999.4); short protein forms R200W, R351W.
Identifiers: ClinVar variation 1420532 (VCV001420532.11), dbSNP rs370499676, ClinGen allele CA7125686.